The following is an entry in ClinVar:

NM_001242957.3(MAK):c.393dup (p.Leu132fs)

Gene: MAK (male germ cell associated kinase; minus strand). Cytogenetic location: 6p24.2.
Variant type: Duplication.
Coding change: c.393dup on transcript NM_001242957.3 (MANE Select); coding-DNA position 393, one base duplicated (G; older notation c.393dupG).
Protein change: p.Leu132fs; shifts the reading frame from leucine 132.
Molecular consequence: frameshift variant. On other transcripts: non-coding transcript variant (2).
Genome position (GRCh38, 1-based): chr6:10,808,908, C duplicated on the plus strand (G on the coding strand, the reverse complement: MAK is on the minus strand). VCF-style (leftmost placement, unchanged base first): chr6-10808907-G-GC. GRCh37 (hg19) VCF-style: chr6-10809140-G-GC.
Other names: c.393dup, p.Leu132fs (NM_001242385.2, NM_005906.6); c.291dup, p.Leu98fs (NM_001377262.1); short protein forms L132fs, L98fs.
Identifiers: ClinVar variation 1878380 (VCV001878380.4), dbSNP rs1581727126, ClinGen allele CA2580074213.

ClinVar aggregate classification (germline): Pathogenic/Likely pathogenic. Review status: criteria provided, multiple submitters, no conflicts (2 of 4 stars). 2 submissions from 2 submitters: Pathogenic (1); Likely pathogenic (1). Last evaluated 2022-12-24.

Conditions:
Retinitis pigmentosa (RP). Identifiers: Orphanet 791, MedGen C0035334, MeSH D012174, MONDO:0019200, OMIM 268000. Inheritance: Autosomal dominant, autosomal recessive and X linked inheritance.

Submissions (2):

Women's Health and Genetics/Laboratory Corporation of America, LabCorp
Classification: Likely pathogenic for Retinitis pigmentosa. Last evaluated: 2022-12-24. Review status: criteria provided, single submitter. Criteria: LabCorp Variant Classification Summary - May 2015. Collection method: clinical testing. Allele origin: germline.
Comment: Variant summary: MAK c.393dupG (p.Leu132AlafsX12) results in a premature termination codon, predicted to cause a truncation of the encoded protein or absence of the protein due to nonsense mediated decay, which are commonly known mechanisms for disease. Truncations downstream of this position have been classified as pathogenic within ClinVar (e.g. c.814C>T [p.Arg272Ter], c.718_719del [p.Gln240fs]). The variant was absent in 251336 control chromosomes (gnomAD). To our knowledge, no occurrence of c.393dupG in individuals affected with Retinitis Pigmentosa and no experimental evidence demonstrating its impact on protein function have been reported. No clinical diagnostic laboratories have submitted clinical-significance assessments for this variant to ClinVar after 2014. Based on the evidence outlined above, the variant was classified as likely pathogenic.

Labcorp Genetics (formerly Invitae), Labcorp
Classification: Pathogenic. Last evaluated: 2022-10-27. Review status: criteria provided, single submitter. Criteria: Invitae Variant Classification Sherloc (09022015). Collection method: clinical testing. Allele origin: germline.
Comment: For these reasons, this variant has been classified as Pathogenic. Algorithms developed to predict the effect of sequence changes on RNA splicing suggest that this variant may disrupt the consensus splice site. This variant has not been reported in the literature in individuals affected with MAK-related conditions. This variant is not present in population databases (gnomAD no frequency). This sequence change creates a premature translational stop signal (p.Leu132Alafs*12) in the MAK gene. It is expected to result in an absent or disrupted protein product. Loss-of-function variants in MAK are known to be pathogenic (PMID: 21148103, 21825139, 24938718, 29781741).

Literature cited by the submitters: PubMed 21148103 (cited by Labcorp Genetics (formerly Invitae), Labcorp); PubMed 21825139 (cited by Labcorp Genetics (formerly Invitae), Labcorp); PubMed 24938718 (cited by Labcorp Genetics (formerly Invitae), Labcorp); PubMed 29781741 (cited by Labcorp Genetics (formerly Invitae), Labcorp).